The following is an entry in ClinVar:

ClinVar aggregate classification (germline): Uncertain significance (1 of 4 stars; one submission).

Conditions:
Inborn genetic diseases. Identifiers: MedGen C0950123, MeSH D030342.

Submission:

Ambry Genetics
Classification: Uncertain significance for Inborn genetic diseases. Last evaluated: 2024-03-05. Review status: criteria provided, single submitter. Criteria: Ambry Variant Classification Scheme 2023. Collection method: clinical testing. Allele origin: germline.
Comment: The p.V15L variant (also known as c.43G>C), located in coding exon 1 of the RAD51 gene, results from a G to C substitution at nucleotide position 43. The valine at codon 15 is replaced by leucine, an amino acid with highly similar properties. This amino acid position is conserved. In addition, this alteration is predicted to be tolerated by in silico analysis. Based on the available evidence, the clinical significance of this alteration remains unclear.

NM_002875.5(RAD51):c.43G>C (p.Val15Leu)

Gene: RAD51 (RAD51 recombinase; plus strand). Cytogenetic location: 15q15.1.
Variant type: single nucleotide variant.
Coding change: c.43G>C on transcript NM_002875.5 (MANE Select); coding-DNA position 43, G replaced by C.
Protein change: p.Val15Leu; replaces valine 15 with leucine.
Molecular consequence: missense variant.
Genome position (GRCh38, 1-based): chr15:40,698,801, G>C. VCF-style: chr15-40698801-G-C. GRCh37 (hg19) VCF-style: chr15-40990999-G-C.
Other names: c.43G>C, p.Val15Leu (NM_001164269.2, NM_001164270.2, NM_133487.4); short protein forms V15L.
Identifiers: ClinVar variation 3222854 (VCV003222854.1), dbSNP rs2504406440, ClinGen allele CA391744287.